The following is an entry in ClinVar:

ClinVar aggregate classification (germline): Uncertain significance (1 of 4 stars; one submission).

Conditions:
Progressive myoclonic epilepsy type 8. Identifiers: Orphanet 424027, MedGen C5190825, MONDO:0014545, OMIM 616230.

gnomAD v4.1: 2 of 1,613,412 alleles (0.00012%); highest among the groups gnomAD compares: Non-Finnish European, 0.000085%; no homozygotes.

Submission:

Labcorp Genetics (formerly Invitae), Labcorp
Classification: Uncertain significance for Progressive myoclonic epilepsy type 8. Last evaluated: 2018-02-08. Review status: criteria provided, single submitter. Criteria: Invitae Variant Classification Sherloc (09022015). Collection method: clinical testing. Allele origin: germline.
Comment: In summary, the available evidence is currently insufficient to determine the role of this variant in disease. Therefore, it has been classified as a Variant of Uncertain Significance. Algorithms developed to predict the effect of missense changes on protein structure and function (SIFT, PolyPhen-2, Align-GVGD) all suggest that this variant is likely to be tolerated, but these predictions have not been confirmed by published functional studies and their clinical significance is uncertain. This variant has not been reported in the literature in individuals with CERS1-related disease. ClinVar contains an entry for this variant (Variation ID: 475374). This variant is present in population databases (rs374308521, ExAC 0.002%). This sequence change replaces valine with leucine at codon 184 of the CERS1 protein (p.Val184Leu). The valine residue is moderately conserved and there is a small physicochemical difference between valine and leucine.

NM_021267.5(CERS1):c.550G>T (p.Val184Leu)

Genes: CERS1 (ceramide synthase 1; minus strand), GDF1 (growth differentiation factor 1; minus strand). Cytogenetic location: 19p13.11.
Variant type: single nucleotide variant.
Coding change: c.550G>T on transcript NM_021267.5 (MANE Select); coding-DNA position 550, G replaced by T.
Protein change: p.Val184Leu; replaces valine 184 with leucine.
Molecular consequence: missense variant. On other transcripts: 5 prime UTR variant (2).
Genome position (GRCh38, 1-based): chr19:18,884,127, C>A on the plus strand (G>T on the coding strand, the complement: CERS1 is on the minus strand). VCF-style: chr19-18884127-C-A. GRCh37 (hg19) VCF-style: chr19-18994936-C-A.
Other names: c.256G>T, p.Val86Leu (NM_001290265.2, NM_001387442.1, NM_001387443.1 and 2 more transcripts); c.550G>T, p.Val184Leu (NM_001387439.1, NM_001387440.1, NM_001387441.1 and 1 more transcripts); c.-353G>T (NM_001387438.1); c.-773G>T (NM_001492.6); short protein forms V184L, V86L.
Identifiers: ClinVar variation 475374 (VCV000475374.8), dbSNP rs374308521, ClinGen allele CA9318233.